The following is an entry in ClinVar:

NM_004318.4(ASPH):c.642G>C (p.Val214=)

Gene: ASPH (aspartate beta-hydroxylase; minus strand). Cytogenetic location: 8q12.3.
Variant type: single nucleotide variant.
Coding change: c.642G>C on transcript NM_004318.4 (MANE Select); coding-DNA position 642, G replaced by C.
Protein change: p.Val214=; no amino-acid change (valine 214 retained).
Molecular consequence: synonymous variant. On other transcripts: intron variant (4).
Genome position (GRCh38, 1-based): chr8:61,644,610, C>G on the plus strand (G>C on the coding strand, the complement: ASPH is on the minus strand). VCF-style: chr8-61644610-C-G. GRCh37 (hg19) VCF-style: chr8-62557169-C-G.
Other names: c.555G>C, p.Val185= (NM_001164750.2, NM_001413903.1, NM_001413904.1 and 1 more transcripts); c.600G>C, p.Val200= (NM_001164751.2, NM_001164752.2, NM_001413856.1 and 2 more transcripts); c.471G>C, p.Val157= (NM_001164753.2); c.642G>C, p.Val214= (NM_001164754.2, NM_001413844.1, NM_001413847.1 and 22 more transcripts); c.513G>C, p.Val171= (NM_001164755.2, NM_001413859.1, NM_001413871.1 and 12 more transcripts); c.687G>C, p.Val229= (NM_001413845.1, NM_001413846.1, NM_001413848.1 and 3 more transcripts); c.567G>C, p.Val189= (NM_001413862.1); c.558G>C, p.Val186= (NM_001413863.1, NM_001413865.1, NM_001413872.1 and 1 more transcripts); and 5 more.
Identifiers: ClinVar variation 3038809 (VCV003038809.2), dbSNP rs147373850, ClinGen allele CA4762145.
Genomic context (GRCh38, chr8:61,644,610, plus strand): 5'-TTAAAGGAAGACTCACTCTAATTAAGAACAGAATTAAATTAAAATCTCACCTGTCTCTTC[C>G]ACGTGGTAACTATGCTCGGTTTCTGGAAAAAAAAAAATTAGATTGATATTTACTGCTTTT-3'
Protein context (NP_004309.2, residues 204-224): SHEETEHSYH[Val214=]EETVSQDCNQ

ClinVar aggregate classification (germline): Likely benign (0 of 4 stars; one submission).

Conditions:
ASPH-related disorder. Also called: ASPH-related condition.

Allele frequency attached by ClinVar (database versions not stated): ExAC 0.00008; gnomAD 0.00013; TOPMed 0.00014; ESP Exome Variant Server 0.00031; 1000 Genomes Project 0.00040; 1000 Genomes Project 30x 0.00047.
gnomAD v4.1: 36 of 1,583,204 alleles (0.0023%); highest among the groups gnomAD compares: African/African-American, 0.049%; no homozygotes.

Submission:

PreventionGenetics, part of Exact Sciences
Classification: Likely benign for ASPH-related condition. Last evaluated: 2020-01-02. Review status: no assertion criteria provided. Collection method: clinical testing. Allele origin: germline.
Comment: This variant is classified as likely benign based on ACMG/AMP sequence variant interpretation guidelines (Richards et al. 2015 PMID: 25741868, with internal and published modifications).